The following is an entry in ClinVar:

ClinVar aggregate classification (germline): Pathogenic. Review status: criteria provided, multiple submitters, no conflicts (2 of 4 stars). 2 submissions from 2 submitters: Pathogenic (2). Last evaluated 2022-11-01.

Conditions:
Polycystic kidney disease, adult type (PKD1). Also called: Polycystic Kidney, Autosomal Dominant; POLYCYSTIC KIDNEY DISEASE 1 WITH OR WITHOUT POLYCYSTIC LIVER DISEASE; Polycystic Kidney Disease 1, Autosomal Dominant; Polycystic kidney disease 1; Polycystic kidney disease 1, severe; POLYCYSTIC KIDNEY DISEASE, ADULT, TYPE I. Identifiers: MedGen C3149841, MONDO:0008263, OMIM 173900.

Submissions (2):

CeGaT Center for Human Genetics Tuebingen
Classification: Pathogenic. Last evaluated: 2022-11-01. Review status: criteria provided, single submitter. Criteria: CeGaT Center For Human Genetics Tuebingen Variant Classification Criteria Version 2. Collection method: clinical testing. Allele origin: germline. Affected: yes. Observed: 1 variant allele.
Comment: PKD1: PVS1, PM2

MVZ Martinsried, Medicover Genetics
Classification: Pathogenic for Polycystic kidney disease, adult type. Last evaluated: 2021-11-17. Review status: criteria provided, single submitter. Criteria: ACGS Guidelines, 2020. Collection method: clinical testing. Allele origin: unknown. Affected: yes.

NM_001009944.3(PKD1):c.7989del (p.Ile2664fs)

Gene: PKD1 (polycystin 1, transient receptor potential channel interacting; minus strand). Cytogenetic location: 16p13.3.
Variant type: Deletion.
Coding change: c.7989del on transcript NM_001009944.3 (MANE Select); coding-DNA position 7989, one base deleted (G; older notation c.7989delG).
Protein change: p.Ile2664fs; shifts the reading frame from isoleucine 2664.
Molecular consequence: frameshift variant.
Genome position (GRCh38, 1-based): chr16:2,105,349, C deleted on the plus strand (G on the coding strand, the reverse complement: PKD1 is on the minus strand). VCF-style (leftmost placement, unchanged base first): chr16-2105348-TC-T. GRCh37 (hg19) VCF-style: chr16-2155349-TC-T.
Other names: c.7989delG (NM_001009944.3); c.7989del, p.Ile2664fs (NM_000296.4); short protein forms I2664fs.
Identifiers: ClinVar variation 1330260 (VCV001330260.30), dbSNP rs2151766664, ClinGen allele CA2573054177.
Genomic context (GRCh38, chr16:2,105,348, plus strand): 5'-TGCGGGGCAGGGTGAGCAGGTGGGGCCATCCTACCATGCACTGGGCCAGCGCAGCAGCGA[TC>T]TGCTGGATGTCATCCACAGTGTGGACCCTCAGGGACACCAGAGTCTCCGTGATGTTCTTG-3'